The following is an entry in ClinVar:

NM_001303052.2(MYT1L):c.1705C>T (p.Arg569Ter)

Gene: MYT1L (myelin transcription factor 1 like; minus strand). Cytogenetic location: 2p25.3.
Variant type: single nucleotide variant.
Coding change: c.1705C>T on transcript NM_001303052.2 (MANE Select); coding-DNA position 1705, C replaced by T.
Protein change: p.Arg569Ter; replaces arginine 569 with a stop codon.
Molecular consequence: nonsense.
Genome position (GRCh38, 1-based): chr2:1,912,024, G>A on the plus strand (C>T on the coding strand, the complement: MYT1L is on the minus strand). VCF-style: chr2-1912024-G-A. GRCh37 (hg19) VCF-style: chr2-1915796-G-A.
Other names: c.1705C>T, p.Arg569Ter (NM_001329844.2, NM_001329845.1, NM_001329851.3); c.1699C>T, p.Arg567Ter (NM_001329846.3, NM_001329847.2, NM_001329848.1 and 3 more transcripts); short protein forms R567*, R569*.
Identifiers: ClinVar variation 280701 (VCV000280701.8), dbSNP rs886041858, ClinGen allele CA10602836.

ClinVar aggregate classification (germline): Pathogenic/Likely pathogenic. Review status: criteria provided, multiple submitters, no conflicts (2 of 4 stars). 4 submissions from 4 submitters: Pathogenic (1); Likely pathogenic (3). Last evaluated 2025-01-01.

Conditions:
MYT1L-related disorder. Also called: MYT1L-related condition.
Intellectual developmental disorder, autosomal dominant 39. Also called: Mental retardation, autosomal dominant 39; Intellectual disability, autosomal dominant 39. Identifiers: MedGen C4225296, MONDO:0014678, OMIM 616521.

Submissions (4):

Center of Human Genetics, Hôpital Erasme
Classification: Likely pathogenic for Intellectual developmental disorder, autosomal dominant 39. Last evaluated: 2025-01-01. Review status: criteria provided, single submitter. Criteria: ACMG Guidelines, 2015. Collection method: clinical testing. Allele origin: de novo. Affected: yes.

GeneDx
Classification: Pathogenic. Last evaluated: 2023-08-22. Review status: criteria provided, single submitter. Criteria: GeneDx Variant Classification Process June 2021. Collection method: clinical testing. Allele origin: germline. Affected: yes.
Comment: Nonsense variant predicted to result in protein truncation or nonsense mediated decay in a gene for which loss-of-function is a known mechanism of disease; Not observed at significant frequency in large population cohorts (gnomAD); Has not been previously published as pathogenic or benign to our knowledge

Blueprint Genetics
Classification: Likely pathogenic for MYT1L-related disorders. Last evaluated: 2023-07-12. Review status: criteria provided, single submitter. Criteria: ACMG Guidelines, 2015. Collection method: clinical testing. Allele origin: germline. Affected: yes. Observed: 1 variant allele.

Juno Genomics, Hangzhou Juno Genomics, Inc
Classification: Likely pathogenic for Intellectual developmental disorder, autosomal dominant 39. Review status: criteria provided, single submitter. Criteria: ACMG Guidelines, 2015. Collection method: clinical testing. Allele origin: germline. Affected: yes.
Comment: Absent from controls (or at extremely low frequency if recessive) in Genome Aggregation Database.;Null variant in a gene where loss of function (LOF) is a known mechanism of disease.